The following is an entry in ClinVar:

NM_004415.4(DSP):c.5035C>T (p.His1679Tyr)

Gene: DSP (desmoplakin; plus strand). Cytogenetic location: 6p24.3.
Variant type: single nucleotide variant.
Coding change: c.5035C>T on transcript NM_004415.4 (MANE Select); coding-DNA position 5035, C replaced by T.
Protein change: p.His1679Tyr; replaces histidine 1679 with tyrosine.
Molecular consequence: missense variant. On other transcripts: intron variant (2).
Genome position (GRCh38, 1-based): chr6:7,581,225, C>T. VCF-style: chr6-7581225-C-T. GRCh37 (hg19) VCF-style: chr6-7581458-C-T.
Other names: p.H1679Y:CAC>TAC; c.5035C>T (LRG_423t1, NM_004415.3); c.4050+985C>T (NM_001319034.2); c.3583-1417C>T (NM_001008844.3); short protein forms H1679Y.
Identifiers: ClinVar variation 199888 (VCV000199888.33), dbSNP rs762561997, ClinGen allele CA004671.

ClinVar aggregate classification (germline): Conflicting classifications of pathogenicity. Review status: criteria provided, conflicting classifications (1 of 4 stars). 12 submissions from 12 submitters: Uncertain significance (6); Likely benign (2). 4 of the submissions do not count toward it. Last evaluated 2026-02-01.

Conditions:
DSP-related disorder. Also called: DSP-related condition; DSP-related disorders.
Cardiovascular phenotype. Identifiers: MedGen CN230736.
Arrhythmogenic cardiomyopathy with wooly hair and keratoderma. Also called: Carvajal syndrome; Dilated cardiomyopathy with woolly hair and keratoderma; PALMOPLANTAR KERATODERMA WITH LEFT VENTRICULAR CARDIOMYOPATHY AND WOOLLY HAIR; Arrhythmogenic cardiomyopathy with woolly hair and keratoderma. Identifiers: Orphanet 65282, MedGen C1854063, MONDO:0011581, OMIM 605676.
Arrhythmogenic right ventricular dysplasia 8 (ARVD8). Also called: Arrhythmogenic Right Ventricular Dysplasia/Cardiomyopathy 8; ARRHYTHMOGENIC RIGHT VENTRICULAR DYSPLASIA, FAMILIAL, 8; ARRHYTHMOGENIC RIGHT VENTRICULAR CARDIOMYOPATHY 8. Identifiers: MedGen C1843896, MONDO:0011831, OMIM 607450.
Cardiomyopathy (CMYO). Also called: Cardiomyopathies. Identifiers: Orphanet 167848, MedGen C0878544, MONDO:0004994, HP:0001638. Inheritance: Various modes of inheritance.

Allele frequency attached by ClinVar (database versions not stated): ExAC 0.00001; gnomAD 0.00001 and 0.00021; gnomAD exomes 0.00001; TOPMed 0.00026.
gnomAD v4.1: 45 of 1,614,004 alleles (0.0028%); highest among the groups gnomAD compares: East Asian, 0.0045%; 1 homozygote.

Submissions (12):

CeGaT Center for Human Genetics Tuebingen
Classification: Likely benign. Last evaluated: 2026-02-01. Review status: criteria provided, single submitter. Criteria: CeGaT Center For Human Genetics Tuebingen Variant Classification Criteria Version 2. Collection method: clinical testing. Allele origin: germline. Affected: yes. Observed: 1 variant allele.
Comment: DSP: BP4

Labcorp Genetics (formerly Invitae), Labcorp
Classification: Likely benign for Arrhythmogenic cardiomyopathy with wooly hair and keratoderma; Arrhythmogenic right ventricular dysplasia 8. Last evaluated: 2026-01-17. Review status: criteria provided, single submitter. Criteria: Invitae Variant Classification Sherloc (09022015). Collection method: clinical testing. Allele origin: germline.

Blueprint Genetics
Classification: Uncertain significance. Last evaluated: 2024-09-10. Review status: criteria provided, single submitter. Criteria: ACMG Guidelines, 2015. Collection method: clinical testing. Allele origin: germline.

All of Us Research Program, National Institutes of Health
Classification: Uncertain significance for Arrhythmogenic cardiomyopathy with wooly hair and keratoderma. Last evaluated: 2024-07-20. Review status: criteria provided, single submitter. Criteria: ACMG Guidelines, 2015. Collection method: clinical testing. Allele origin: germline. Inheritance: Autosomal dominant inheritance. Observed: 8 variant alleles, 8 heterozygotes.
Comment: This missense variant replaces histidine with tyrosine at codon 1679 of the DSP protein. Computational prediction suggests that this variant may not impact protein structure and function (internally defined REVEL score threshold <= 0.5, PMID: 27666373). To our knowledge, functional studies have not been reported for this variant. This variant has not been reported in individuals affected with cardiovascular disorders in the literature. This variant has been identified in 2/250894 chromosomes in the general population by the Genome Aggregation Database (gnomAD). The available evidence is insufficient to determine the role of this variant in disease conclusively. Therefore, this variant is classified as a Variant of Uncertain Significance.

This study involves interpretation of variants in research participants for the purpose of population health screening. Participant phenotype was not available at the time of variant classification. Additional details can be found in publication PMID: 35346344, PMCID: PMC8962531

Color Diagnostics, LLC DBA Color Health
Classification: Uncertain significance for Cardiomyopathy. Last evaluated: 2024-02-07. Review status: criteria provided, single submitter. Criteria: ACMG Guidelines, 2015. Collection method: clinical testing. Allele origin: germline.
Comment: This missense variant replaces histidine with tyrosine at codon 1679 of the DSP protein. Computational prediction suggests that this variant may not impact protein structure and function (internally defined REVEL score threshold <= 0.5, PMID: 27666373). To our knowledge, functional studies have not been reported for this variant. This variant has not been reported in individuals affected with cardiovascular disorders in the literature. This variant has been identified in 2/250894 chromosomes in the general population by the Genome Aggregation Database (gnomAD). The available evidence is insufficient to determine the role of this variant in disease conclusively. Therefore, this variant is classified as a Variant of Uncertain Significance.

Ambry Genetics
Classification: Uncertain significance for Cardiovascular phenotype. Last evaluated: 2020-09-02. Review status: criteria provided, single submitter. Criteria: Ambry Variant Classification Scheme 2023. Collection method: clinical testing. Allele origin: germline.
Comment: The p.H1679Y variant (also known as c.5035C>T), located in coding exon 23 of the DSP gene, results from a C to T substitution at nucleotide position 5035. The histidine at codon 1679 is replaced by tyrosine, an amino acid with similar properties. This amino acid position is not well conserved in available vertebrate species. In addition, this alteration is predicted to be tolerated by in silico analysis. Since supporting evidence is limited at this time, the clinical significance of this alteration remains unclear.

GeneDx
Classification: Uncertain significance. Last evaluated: 2019-12-09. Review status: criteria provided, single submitter. Criteria: GeneDx Variant Classification Process June 2021. Collection method: clinical testing. Allele origin: germline. Affected: yes.
Comment: Has not been previously published as pathogenic or benign to our knowledge; Reported in ClinVar as a variant of uncertain significance by another clinical laboratory (ClinVar Variant ID#199888; Landrum et al., 2016); Not observed at a significant frequency in large population cohorts (Lek et al., 2016); In silico analysis, which includes protein predictors and evolutionary conservation, supports that this variant does not alter protein structure/function; This variant is associated with the following publications: (PMID: 32880476)

Stanford Center for Inherited Cardiovascular Disease, Stanford University
Classification: Uncertain significance. Last evaluated: 2014-07-30. Review status: criteria provided, single submitter. Criteria: ACMG Guidelines, 2015. Collection method: provider interpretation. Allele origin: germline.

PreventionGenetics, part of Exact Sciences
Classification: Uncertain significance for DSP-related condition. Last evaluated: 2024-09-21. Review status: no assertion criteria provided. Collection method: clinical testing. Allele origin: germline. Not counted in ClinVar's aggregate classification.
Comment: The DSP c.5035C>T variant is predicted to result in the amino acid substitution p.His1679Tyr. This variant was reported in an individual presenting with dilated ardiomyopathy, but was interpreted as uncertain (Table S1, Verdonschot et al 2020. PubMed ID: 32880476). This variant is reported in 0.0054% of alleles in individuals of East Asian descent in gnomAD. At this time, the clinical significance of this variant is uncertain due to the absence of conclusive functional and genetic evidence.

Clinical Genetics DNA and cytogenetics Diagnostics Lab, Erasmus MC, Erasmus Medical Center
Classification: Uncertain significance. Review status: no assertion criteria provided. Collection method: clinical testing. Allele origin: germline. Affected: yes. Study: VKGL Data-share Consensus. Not counted in ClinVar's aggregate classification.

Diagnostic Laboratory, Department of Genetics, University Medical Center Groningen
Classification: Uncertain significance. Review status: no assertion criteria provided. Collection method: clinical testing. Allele origin: germline. Affected: yes. Study: VKGL Data-share Consensus. Not counted in ClinVar's aggregate classification.

Joint Genome Diagnostic Labs from Nijmegen and Maastricht, Radboudumc and MUMC+
Classification: Uncertain significance. Review status: no assertion criteria provided. Collection method: clinical testing. Allele origin: germline. Affected: yes. Study: VKGL Data-share Consensus. Not counted in ClinVar's aggregate classification.